The following is an entry in ClinVar:

ClinVar aggregate classification (germline): Uncertain significance. Review status: criteria provided, multiple submitters, no conflicts (2 of 4 stars). 2 submissions from 2 submitters: Uncertain significance (2). Last evaluated 2025-10-24.

Conditions:
Congenital myasthenic syndrome 8. Also called: Myasthenic syndrome, congenital, 8, with pre- and postsynaptic defects; MYASTHENIC SYNDROME, CONGENITAL, DUE TO AGRIN DEFICIENCY. Identifiers: Orphanet 590, MedGen C3808739, MONDO:0014052, OMIM 615120.
Inborn genetic diseases. Identifiers: MedGen C0950123, MeSH D030342.

Allele frequency attached by ClinVar (database versions not stated): gnomAD 0.00001; gnomAD exomes 0.00002 and 0.00001; TOPMed 0.00003; ExAC 0.00001.
gnomAD v4.1: 18 of 1,611,862 alleles (0.0011%); highest among the groups gnomAD compares: Admixed American, 0.017%; no homozygotes.

Submissions (2):

Ambry Genetics
Classification: Uncertain significance for Inborn genetic diseases. Last evaluated: 2025-10-24. Review status: criteria provided, single submitter. Criteria: Ambry Variant Classification Scheme 2023. Collection method: clinical testing. Allele origin: germline.

Labcorp Genetics (formerly Invitae), Labcorp
Classification: Uncertain significance for Congenital myasthenic syndrome 8. Last evaluated: 2022-08-06. Review status: criteria provided, single submitter. Criteria: Invitae Variant Classification Sherloc (09022015). Collection method: clinical testing. Allele origin: germline.
Comment: This sequence change replaces proline, which is neutral and non-polar, with arginine, which is basic and polar, at codon 797 of the AGRN protein (p.Pro797Arg). In summary, the available evidence is currently insufficient to determine the role of this variant in disease. Therefore, it has been classified as a Variant of Uncertain Significance. Algorithms developed to predict the effect of missense changes on protein structure and function are either unavailable or do not agree on the potential impact of this missense change (SIFT: "Tolerated"; PolyPhen-2: "Probably Damaging"; Align-GVGD: "Class C0"). ClinVar contains an entry for this variant (Variation ID: 1052133). This variant has not been reported in the literature in individuals affected with AGRN-related conditions. This variant is present in population databases (rs770988590, gnomAD 0.01%).

NM_198576.4(AGRN):c.2390C>G (p.Pro797Arg)

Gene: AGRN (agrin; plus strand). Cytogenetic location: 1p36.33.
Variant type: single nucleotide variant.
Coding change: c.2390C>G on transcript NM_198576.4 (MANE Select); coding-DNA position 2390, C replaced by G.
Protein change: p.Pro797Arg; replaces proline 797 with arginine.
Molecular consequence: missense variant.
Genome position (GRCh38, 1-based): chr1:1,045,377, C>G. VCF-style: chr1-1045377-C-G. GRCh37 (hg19) VCF-style: chr1-980757-C-G.
Other names: c.2390C>G, p.Pro797Arg (NM_001305275.2); c.2075C>G, p.Pro692Arg (NM_001364727.2); c.2390C>G (NM_198576.3); short protein forms P692R, P797R.
Identifiers: ClinVar variation 1052133 (VCV001052133.9), dbSNP rs770988590, ClinGen allele CA508623.